The following is an entry in ClinVar:

ClinVar aggregate classification (germline): Uncertain significance (1 of 4 stars; one submission).

Submission:

GeneDx
Classification: Uncertain significance. Last evaluated: 2025-07-15. Review status: criteria provided, single submitter. Criteria: GeneDx Variant Classification Process June 2021. Collection method: clinical testing. Allele origin: germline. Affected: yes.
Comment: Not observed at significant frequency in large population cohorts (gnomAD); In silico analysis supports that this missense variant has a deleterious effect on protein structure/function; Has not been previously published as pathogenic or benign to our knowledge

NM_006514.4(SCN10A):c.4999C>G (p.Leu1667Val)

Gene: SCN10A (sodium voltage-gated channel alpha subunit 10; minus strand). Cytogenetic location: 3p22.2.
Variant type: single nucleotide variant.
Coding change: c.4999C>G on transcript NM_006514.4 (MANE Select); coding-DNA position 4999, C replaced by G.
Protein change: p.Leu1667Val; replaces leucine 1667 with valine.
Molecular consequence: missense variant.
Genome position (GRCh38, 1-based): chr3:38,698,221, G>C on the plus strand (C>G on the coding strand, the complement: SCN10A is on the minus strand). VCF-style: chr3-38698221-G-C. GRCh37 (hg19) VCF-style: chr3-38739712-G-C.
Other names: c.4996C>G, p.Leu1666Val (NM_001293306.2); c.4705C>G, p.Leu1569Val (NM_001293307.2); short protein forms L1569V, L1666V, L1667V.
Identifiers: ClinVar variation 4686475 (VCV004686475.1).